The following is an entry in ClinVar:

ClinVar aggregate classification (germline): Benign/Likely benign. Review status: no assertion criteria provided (0 of 4 stars). 2 submissions from 2 submitters: Benign (1); Likely benign (1). Last evaluated 2019-08-12.

Conditions:
MUC16-related disorder. Also called: MUC16-related condition.
Abnormality of neuronal migration. Identifiers: MedGen C1837249, HP:0002269.

Submissions (2):

PreventionGenetics, part of Exact Sciences
Classification: Likely benign for MUC16-related condition. Last evaluated: 2019-08-12. Review status: no assertion criteria provided. Collection method: clinical testing. Allele origin: germline.
Comment: This variant is classified as likely benign based on ACMG/AMP sequence variant interpretation guidelines (Richards et al. 2015 PMID: 25741868, with internal and published modifications).

Génétique et pathophysiologie de maladies neurodéveloppementales et épileptogènes, Institut de génétique et de biologie moléculaire et cellulaire
Classification: Benign for Malformation of Cortical Development. Last evaluated: 2014-10-31. Review status: no assertion criteria provided. Collection method: clinical testing. Allele origin: unknown. Affected: yes. Observed: 1 variant allele, 1 compound heterozygote.

NM_001401501.2(MUC16):c.7099del (p.Ser2367fs)

Gene: MUC16 (mucin 16, cell surface associated; minus strand). Cytogenetic location: 19p13.2.
Variant type: Deletion.
Coding change: c.7099del on transcript NM_001401501.2 (MANE Select); coding-DNA position 7099, one base deleted (T; older notation c.7099delT).
Protein change: p.Ser2367fs; shifts the reading frame from serine 2367.
Molecular consequence: frameshift variant.
Genome position (GRCh38, 1-based): chr19:8,974,160, A deleted on the plus strand (T on the coding strand, the reverse complement: MUC16 is on the minus strand); the first of 2 consecutive A bases (chr19:8,974,160-8,974,161); deleting either gives the same sequence. VCF-style (leftmost placement, unchanged base first): chr19-8974159-GA-G. GRCh37 (hg19) VCF-style: chr19-9084835-GA-G.
Other names: c.6979delT (NM_024690.2); c.7525del, p.Ser2509fs (NM_001414686.1); c.6979del, p.Ser2327fs (NM_001414687.1, NM_024690.2); short protein forms S2327fs, S2367fs, S2509fs.
Identifiers: ClinVar variation 208917 (VCV000208917.3), dbSNP rs759867982, ClinGen allele CA210122.
Genomic context (GRCh38, chr19:8,974,159, plus strand): 5'-GTTTCATTATCCAGTGAAACTGTGCTGGTCTCTGTGAAACTAGCAGTGAGAACTATGGGG[GA>G]AGTGGTTGGAGCAGCAGAGGTGATTGTCCTTCTCTCTCCCAGTGTAATGGAGGGACTGGC-3'